The following is an entry in ClinVar:

NM_001042492.3(NF1):c.1541del (p.Gln514fs)

Gene: NF1 (neurofibromin 1; plus strand). Cytogenetic location: 17q11.2.
Variant type: Deletion.
Coding change: c.1541del on transcript NM_001042492.3 (MANE Select); coding-DNA position 1541, one base deleted (A; older notation c.1541delA).
Protein change: p.Gln514fs; shifts the reading frame from glutamine 514.
Molecular consequence: frameshift variant.
Genome position (GRCh38, 1-based): chr17:31,219,018, A deleted. VCF-style (leftmost placement, unchanged base first): chr17-31219017-CA-C. GRCh37 (hg19) VCF-style: chr17-29546035-CA-C.
Other names: c.1541delA (NM_000267.3); c.1541delA, p.Gln514Argfs (NM_000267.4); c.1541del, p.Gln514fs (NM_001128147.3); short protein forms Q514fs.
Identifiers: ClinVar variation 449422 (VCV000449422.5), dbSNP rs1555612815, ClinGen allele CA658656590.

ClinVar aggregate classification (germline): Pathogenic. Review status: criteria provided, multiple submitters, no conflicts (2 of 4 stars). 3 submissions from 3 submitters: Pathogenic (3). Last evaluated 2023-02-28.

Conditions:
Neurofibromatosis, type 1 (NF1). Also called: VON RECKLINGHAUSEN DISEASE; NEUROFIBROMATOSIS, TYPE I, SOMATIC; Neurofibromatosis, type I; Peripheral type neurofibromatosis. Identifiers: Orphanet 636, MedGen C0027831, MONDO:0018975, OMIM 162200. Disease mechanism: loss of function.

Submissions (3):

GeneDx
Classification: Pathogenic. Last evaluated: 2023-02-28. Review status: criteria provided, single submitter. Criteria: GeneDx Variant Classification Process June 2021. Collection method: clinical testing. Allele origin: germline. Affected: yes.
Comment: Frameshift variant predicted to result in protein truncation or nonsense mediated decay in a gene for which loss-of-function is a known mechanism of disease; Not observed in large population cohorts (gnomAD); This variant is associated with the following publications: (PMID: 23913538, 30014477, 30530636)

Genome-Nilou Lab
Classification: Pathogenic for Neurofibromatosis, type 1. Last evaluated: 2022-03-15. Review status: criteria provided, single submitter. Criteria: ACMG Guidelines, 2015. Collection method: clinical testing. Allele origin: germline. Affected: no.

Center for Human Genetics, Inc
Classification: Pathogenic for Neurofibromatosis, type 1. Last evaluated: 2016-11-01. Review status: criteria provided, single submitter. Criteria: ACMG Guidelines, 2015. Collection method: clinical testing. Allele origin: germline. Affected: yes.